The following is an entry in ClinVar:

NM_001611.5(ACP5):c.163G>A (p.Ala55Thr)

Gene: ACP5 (acid phosphatase 5, tartrate resistant; minus strand). Cytogenetic location: 19p13.2.
Variant type: single nucleotide variant.
Coding change: c.163G>A on transcript NM_001611.5 (MANE Select); coding-DNA position 163, G replaced by A.
Protein change: p.Ala55Thr; replaces alanine 55 with threonine.
Molecular consequence: missense variant.
Genome position (GRCh38, 1-based): chr19:11,577,155, C>T on the plus strand (G>A on the coding strand, the complement: ACP5 is on the minus strand). VCF-style: chr19-11577155-C-T. GRCh37 (hg19) VCF-style: chr19-11687970-C-T.
Other names: c.163G>A, p.Ala55Thr (NM_001111034.3, NM_001111035.3, NM_001111036.3 and 2 more transcripts); short protein forms A55T.
Identifiers: ClinVar variation 640476 (VCV000640476.9), dbSNP rs529545521, ClinGen allele CA9215514.

ClinVar aggregate classification (germline): Uncertain significance. Review status: criteria provided, multiple submitters, no conflicts (2 of 4 stars). 2 submissions from 2 submitters: Uncertain significance (2). Last evaluated 2024-11-14.

Conditions:
Spondyloenchondrodysplasia with immune dysregulation (SPENCDI). Also called: SPONDYLOENCHONDRODYSPLASIA WITH OR WITHOUT IMMUNE DYSREGULATION; COMBINED IMMUNODEFICIENCY WITH AUTOIMMUNITY AND SPONDYLOMETAPHYSEAL DYSPLASIA; ROIFMAN IMMUNOSKELETAL SYNDROME. Identifiers: Orphanet 1855, MedGen C1842763, MONDO:0011939, OMIM 607944.

Allele frequency attached by ClinVar (database versions not stated): gnomAD 0.00001 and 0.00002; gnomAD exomes 0.00001 and 0.00002; ExAC 0.00002; TOPMed 0.00002; 1000 Genomes Project 30x 0.00016; 1000 Genomes Project 0.00020.

Submissions (2):

Blueprint Genetics
Classification: Uncertain significance. Last evaluated: 2024-11-14. Review status: criteria provided, single submitter. Criteria: ACMG Guidelines, 2015. Collection method: clinical testing. Allele origin: germline.

Labcorp Genetics (formerly Invitae), Labcorp
Classification: Uncertain significance for Spondyloenchondrodysplasia with immune dysregulation. Last evaluated: 2022-10-03. Review status: criteria provided, single submitter. Criteria: Invitae Variant Classification Sherloc (09022015). Collection method: clinical testing. Allele origin: germline.
Comment: This sequence change replaces alanine, which is neutral and non-polar, with threonine, which is neutral and polar, at codon 55 of the ACP5 protein (p.Ala55Thr). This variant is present in population databases (rs529545521, gnomAD 0.002%). This variant has not been reported in the literature in individuals affected with ACP5-related conditions. ClinVar contains an entry for this variant (Variation ID: 640476). Advanced modeling of protein sequence and biophysical properties (such as structural, functional, and spatial information, amino acid conservation, physicochemical variation, residue mobility, and thermodynamic stability) performed at Invitae indicates that this missense variant is not expected to disrupt ACP5 protein function. In summary, the available evidence is currently insufficient to determine the role of this variant in disease. Therefore, it has been classified as a Variant of Uncertain Significance.